The following is an entry in ClinVar:

ClinVar aggregate classification (germline): Benign. Review status: criteria provided, multiple submitters, no conflicts (2 of 4 stars). 6 submissions from 6 submitters: Benign (6). Last evaluated 2026-02-01.

Conditions:
Brain small vessel disease 2A, autosomal dominant. Also called: Porencephaly 2. Identifiers: Orphanet 2940, Orphanet 99810, MedGen C3280970, MONDO:0013773, OMIM 614483.

Allele frequency attached by ClinVar (database versions not stated): ESP Exome Variant Server 0.00066; gnomAD exomes 0.00457 and 0.01897; gnomAD 0.00822 and 0.00872; TOPMed 0.01382; 1000 Genomes Project 0.01937; 1000 Genomes Project 30x 0.02139; ExAC 0.02888.
gnomAD v4.1: 7,882 of 1,591,600 alleles (0.5%); highest among the groups gnomAD compares: Admixed American, 9.3%; 331 homozygotes.

Submissions (6):

Labcorp Genetics (formerly Invitae), Labcorp
Classification: Benign. Last evaluated: 2026-02-01. Review status: criteria provided, single submitter. Criteria: Invitae Variant Classification Sherloc (09022015). Collection method: clinical testing. Allele origin: germline.

Mayo Clinic Laboratories, Mayo Clinic
Classification: Benign. Last evaluated: 2022-04-26. Review status: criteria provided, single submitter. Criteria: ACMG Guidelines, 2015. Collection method: clinical testing. Allele origin: germline. Observed: 10 variant alleles.

GeneDx
Classification: Benign. Last evaluated: 2018-05-01. Review status: criteria provided, single submitter. Criteria: GeneDx Variant Classification (06012015). Collection method: clinical testing. Allele origin: germline. Affected: yes.
Comment: This variant is considered likely benign or benign based on one or more of the following criteria: it is a conservative change, it occurs at a poorly conserved position in the protein, it is predicted to be benign by multiple in silico algorithms, and/or has population frequency not consistent with disease.

Illumina Laboratory Services, Illumina
Classification: Benign for Brain small vessel disease 2A, autosomal dominant. Last evaluated: 2018-01-12. Review status: criteria provided, single submitter. Criteria: ICSL Variant Classification Criteria 13 December 2019. Collection method: clinical testing. Allele origin: germline.
Comment: This variant was observed in the ICSL laboratory as part of a predisposition screen in an ostensibly healthy population. It had not been previously curated by ICSL or reported in the Human Gene Mutation Database (HGMD: prior to June 1st, 2018), and was therefore a candidate for classification through an automated scoring system. Utilizing variant allele frequency, disease prevalence and penetrance estimates, and inheritance mode, an automated score was calculated to assess if this variant is too frequent to cause the disease. Based on the score and internal cut-off values, a variant classified as benign is not then subjected to further curation. The score for this variant resulted in a classification of benign for this disease.

Center for Pediatric Genomic Medicine, Children's Mercy Hospital and Clinics
Classification: Benign. Last evaluated: 2016-01-13. Review status: criteria provided, single submitter. Criteria: ACMG Guidelines, 2015. Collection method: clinical testing. Allele origin: germline.

Breakthrough Genomics
Classification: Benign. Review status: criteria provided, single submitter. Criteria: ACMG Guidelines, 2015. Collection method: not provided. Allele origin: germline. Inheritance: Autosomal dominant inheritance. Affected: yes.

NM_001846.4(COL4A2):c.2102A>G (p.Lys701Arg)

Gene: COL4A2 (collagen type IV alpha 2 chain; plus strand). Cytogenetic location: 13q34.
Variant type: single nucleotide variant.
Coding change: c.2102A>G on transcript NM_001846.4 (MANE Select); coding-DNA position 2102, A replaced by G.
Protein change: p.Lys701Arg; replaces lysine 701 with arginine.
Molecular consequence: missense variant.
Genome position (GRCh38, 1-based): chr13:110,469,223, A>G. VCF-style: chr13-110469223-A-G. GRCh37 (hg19) VCF-style: chr13-111121570-A-G.
Other names: short protein forms K701R.
Identifiers: ClinVar variation 235684 (VCV000235684.17), dbSNP rs78829338, ClinGen allele CA7049850.
Genomic context (GRCh38, chr13:110,469,223, plus strand): 5'-GCCCATTTATCCTCGTGGAGCCTGATGTGGTTTGTGGTTTATTTGGTTATTTAGGTGCCA[A>G]AGGCCTCCGAGGAATCCCAGGCTTCGCAGGAGCTGATGGAGGACCAGGGCCCAGGGGCTT-3'
Protein context (NP_001837.2, residues 691-711): LPGPPGPTGA[Lys701Arg]GLRGIPGFAG